The following is an entry in ClinVar:

NM_004928.3(CFAP410):c.648C>T (p.Val216=)

Gene: CFAP410 (cilia and flagella associated protein 410; minus strand). Cytogenetic location: 21q22.3.
Variant type: single nucleotide variant.
Coding change: c.648C>T on transcript NM_004928.3 (MANE Select); coding-DNA position 648, C replaced by T.
Protein change: p.Val216=; no amino-acid change (valine 216 retained).
Molecular consequence: synonymous variant.
Genome position (GRCh38, 1-based): chr21:44,330,321, G>A on the plus strand (C>T on the coding strand, the complement: CFAP410 is on the minus strand). VCF-style: chr21-44330321-G-A. GRCh37 (hg19) VCF-style: chr21-45750204-G-A.
Other names: c.645C>T, p.Val215= (NM_001271440.2); c.1005C>T, p.Val335= (NM_001271441.2); c.522C>T, p.Val174= (NM_001271442.1); c.648C>T (NM_004928.2).
Identifiers: ClinVar variation 3015261 (VCV003015261.5), dbSNP rs557148585, ClinGen allele CA10053494.
Genomic context (GRCh38, chr21:44,330,321, plus strand): 5'-CTGCACGGCCTCCAGCCCCTCTGCATCCAGCTCCCGCAGCAGCAGCAGGATGGCAGTCAG[G>A]ACGTTCTGAGGGCAGAGGGGTGCGGACTAAGCCCACCCGGCACGGCGAGGCTGCTTCCCT-3'
Protein context (NP_004919.1, residues 206-226): DASSSHRGRN[Val216=]LTAILLLLRE

ClinVar aggregate classification (germline): Likely benign. Review status: criteria provided, single submitter (1 of 4 stars). 2 submissions from 2 submitters: Likely benign (1). 1 of the submissions does not count toward it. Last evaluated 2025-10-24.

Conditions:
CFAP410-related disorder. Also called: CFAP410-related condition.

Allele frequency attached by ClinVar (database versions not stated): gnomAD 0.00001; TOPMed below 0.00001; ExAC 0.00001; 1000 Genomes Project 30x 0.00016; 1000 Genomes Project 0.00020; gnomAD exomes 0.00002.
gnomAD v4.1: 25 of 1,610,246 alleles (0.0016%); highest among the groups gnomAD compares: Admixed American, 0.0067%; no homozygotes.

Submissions (2):

Labcorp Genetics (formerly Invitae), Labcorp
Classification: Likely benign. Last evaluated: 2025-10-24. Review status: criteria provided, single submitter. Criteria: Invitae Variant Classification Sherloc (09022015). Collection method: clinical testing. Allele origin: germline.

PreventionGenetics, part of Exact Sciences
Classification: Likely benign for CFAP410-related condition. Last evaluated: 2022-07-31. Review status: no assertion criteria provided. Collection method: clinical testing. Allele origin: germline. Not counted in ClinVar's aggregate classification.
Comment: This variant is classified as likely benign based on ACMG/AMP sequence variant interpretation guidelines (Richards et al. 2015 PMID: 25741868, with internal and published modifications).